The following is an entry in ClinVar:

NM_000152.5(GAA):c.790C>T (p.Leu264Phe)

Gene: GAA (alpha glucosidase; plus strand). Cytogenetic location: 17q25.3.
Variant type: single nucleotide variant.
Coding change: c.790C>T on transcript NM_000152.5 (MANE Select); coding-DNA position 790, C replaced by T.
Protein change: p.Leu264Phe; replaces leucine 264 with phenylalanine.
Molecular consequence: missense variant.
Genome position (GRCh38, 1-based): chr17:80,107,654, C>T. VCF-style: chr17-80107654-C-T. GRCh37 (hg19) VCF-style: chr17-78081453-C-T.
Other names: c.790C>T, p.Leu264Phe (NM_001079803.3, NM_001079804.3, NM_001406741.1 and 1 more transcripts); short protein forms L264F.
Identifiers: ClinVar variation 2441624 (VCV002441624.4), dbSNP rs1005162016, ClinGen allele CA294889693.

ClinVar aggregate classification (germline): Uncertain significance. Review status: criteria provided, multiple submitters, no conflicts (2 of 4 stars). 2 submissions from 2 submitters: Uncertain significance (2). Last evaluated 2022-11-06.

Conditions:
Glycogen storage disease, type II (IOPD). Also called: Glycogen storage disease type 2; Acid maltase deficiency disease; Aglucosidase alfa; Deficiency of alpha-glucosidase; Deficiency of lysosomal alpha-glucosidase; GLYCOGEN STORAGE DISEASE II, INFANTILE-ONSET. Identifiers: Orphanet 365, MedGen C0017921, MONDO:0009290, OMIM 232300.

Allele frequency attached by ClinVar (database versions not stated): gnomAD 0.00001; TOPMed 0.00001.
gnomAD v4.1: 2 of 1,612,976 alleles (0.00012%); highest among the groups gnomAD compares: African/African-American, 0.0027%; no homozygotes.

Submissions (2):

Labcorp Genetics (formerly Invitae), Labcorp
Classification: Uncertain significance for Glycogen storage disease, type II. Last evaluated: 2022-11-06. Review status: criteria provided, single submitter. Criteria: Invitae Variant Classification Sherloc (09022015). Collection method: clinical testing. Allele origin: germline.
Comment: In summary, the available evidence is currently insufficient to determine the role of this variant in disease. Therefore, it has been classified as a Variant of Uncertain Significance. Advanced modeling of protein sequence and biophysical properties (such as structural, functional, and spatial information, amino acid conservation, physicochemical variation, residue mobility, and thermodynamic stability) performed at Invitae indicates that this missense variant is not expected to disrupt GAA protein function. This variant has not been reported in the literature in individuals affected with GAA-related conditions. This variant is not present in population databases (gnomAD no frequency). This sequence change replaces leucine, which is neutral and non-polar, with phenylalanine, which is neutral and non-polar, at codon 264 of the GAA protein (p.Leu264Phe).

Revvity Omics, Revvity
Classification: Uncertain significance. Last evaluated: 2020-02-24. Review status: criteria provided, single submitter. Criteria: ACMG Guidelines, 2015. Collection method: clinical testing. Allele origin: germline.